The following is an entry in ClinVar:

ClinVar aggregate classification (germline): Likely pathogenic (0 of 4 stars; one submission).

Conditions:
COL27A1-related disorder. Also called: COL27A1-related condition.

gnomAD v4.1: 1 of 1,610,636 alleles (0.000062%); highest among the groups gnomAD compares: Non-Finnish European, 0.000085%; no homozygotes.

Submission:

PreventionGenetics, part of Exact Sciences
Classification: Likely pathogenic for COL27A1-related condition. Last evaluated: 2024-05-07. Review status: no assertion criteria provided. Collection method: clinical testing. Allele origin: germline.
Comment: The COL27A1 c.4811G>T variant is predicted to result in the amino acid substitution p.Gly1604Val. To our knowledge, this variant has not been reported in the literature or in a large population database, indicating this variant is rare. Furthermore, the amino acid residue p.Gly1604 resides within the triple helical domain of the COL27A1 protein (amino acids 625-1620; Pace et al. 2003. PubMed ID: 12714037). Glycine substitutions within this domain affect the folding and secretion of type XXVII collagen, and pathogenic variants altering glycine residues have been reported in individuals with COL27A1-related disorders (Gonzaga-Jauregui et al 2015. PubMed ID: 24986830; Belbin et al 2017. PubMed ID: 28895531; Amlie-Wolf et al 2020. PubMed ID: 31903681; Gonzaga-Jauregui et al 2020. PubMed ID: 32376988). Taken together, this variant is interpreted as likely pathogenic.

NM_032888.4(COL27A1):c.4811G>T (p.Gly1604Val)

Gene: COL27A1 (collagen type XXVII alpha 1 chain; plus strand). Cytogenetic location: 9q32.
Variant type: single nucleotide variant.
Coding change: c.4811G>T on transcript NM_032888.4 (MANE Select); coding-DNA position 4811, G replaced by T.
Protein change: p.Gly1604Val; replaces glycine 1604 with valine.
Molecular consequence: missense variant.
Genome position (GRCh38, 1-based): chr9:114,301,683, G>T. VCF-style: chr9-114301683-G-T. GRCh37 (hg19) VCF-style: chr9-117063963-G-T.
Other names: short protein forms G1604V.
Identifiers: ClinVar variation 3358163 (VCV003358163.1).